The following is an entry in ClinVar:

ClinVar aggregate classification (germline): Pathogenic (1 of 4 stars; one submission).

Conditions:
Tumor predisposition syndrome 3 (TPDS3). Also called: Glioma susceptibility 9; Melanoma, cutaneous malignant, susceptibility to, 10; LONG TELOMERE SYNDROME, POT1-RELATED; POT1 Tumor Predisposition. Identifiers: Orphanet 618, MedGen C4014476, MONDO:0014368, OMIM 615848.

Submission:

Labcorp Genetics (formerly Invitae), Labcorp
Classification: Pathogenic for Tumor predisposition syndrome 3. Last evaluated: 2023-10-24. Review status: criteria provided, single submitter. Criteria: Invitae Variant Classification Sherloc (09022015). Collection method: clinical testing. Allele origin: germline.
Comment: This sequence change creates a premature translational stop signal (p.Pro13Hisfs*3) in the POT1 gene. It is expected to result in an absent or disrupted protein product. Loss-of-function variants in POT1 are known to be pathogenic (PMID: 32155570). This variant is not present in population databases (gnomAD no frequency). This variant has not been reported in the literature in individuals affected with POT1-related conditions. For these reasons, this variant has been classified as Pathogenic.

Literature cited by the submitters: PubMed 32155570.

NM_015450.3(POT1):c.36_37dup (p.Pro13fs)

Gene: POT1 (protection of telomeres 1; minus strand). Cytogenetic location: 7q31.33.
Variant type: Microsatellite.
Coding change: c.36_37dup on transcript NM_015450.3 (MANE Select); coding-DNA positions 36 to 37, 2 bases duplicated (AC; older notation c.36_37dupAC).
Protein change: p.Pro13fs; shifts the reading frame from proline 13.
Molecular consequence: frameshift variant. On other transcripts: 5 prime UTR variant (1), non-coding transcript variant (3).
Genome position (GRCh38, 1-based): chr7:124,892,353-124,892,354, GT duplicated on the plus strand (AC on the coding strand, the reverse complement: POT1 is on the minus strand); duplicating any 2 consecutive bases within chr7:124,892,353-124,892,356 gives the same sequence; the c. name uses the placement nearest the transcript's 3' end. VCF-style (leftmost placement, unchanged base first): chr7-124892352-G-GGT. GRCh37 (hg19) VCF-style: chr7-124532406-G-GGT.
Other names: c.-229AC[3] (NM_001042594.2); short protein forms P13fs.
Identifiers: ClinVar variation 2745977 (VCV002745977.3), dbSNP rs2485562891, ClinGen allele CA2697557613.
Genomic context (GRCh38, chr7:124,892,352, plus strand): 5'-TTAAAGAACTTCACAACACCATAGACATTGACAATTGTACCACCCTTAAGTTGATTCAGG[G>GGT]GTGTATATATATAATTTGTTGCTGGAACCTAAAGAAAGAGAAGACAGTGAATACATTTAT-3'